The following is an entry in ClinVar:

NM_003640.5(ELP1):c.119G>T (p.Gly40Val)

Gene: ELP1 (elongator acetyltransferase complex subunit 1; minus strand). Cytogenetic location: 9q31.3.
Variant type: single nucleotide variant.
Coding change: c.119G>T on transcript NM_003640.5 (MANE Select); coding-DNA position 119, G replaced by T.
Protein change: p.Gly40Val; replaces glycine 40 with valine.
Molecular consequence: missense variant. On other transcripts: 5 prime UTR variant (2).
Genome position (GRCh38, 1-based): chr9:108,931,028, C>A on the plus strand (G>T on the coding strand, the complement: ELP1 is on the minus strand). VCF-style: chr9-108931028-C-A. GRCh37 (hg19) VCF-style: chr9-111693308-C-A.
Other names: c.-224G>T (NM_001318360.2); c.-741G>T (NM_001330749.2); short protein forms G40V.
Identifiers: ClinVar variation 840621 (VCV000840621.7), dbSNP rs1829988830, ClinGen allele CA374394802.

ClinVar aggregate classification (germline): Uncertain significance. Review status: criteria provided, single submitter (1 of 4 stars). 2 submissions from 2 submitters: Uncertain significance (1). 1 of the submissions does not count toward it. Last evaluated 2021-08-28.

Conditions:
Familial dysautonomia. Also called: HSAN III; FD. Identifiers: Orphanet 1764, MedGen C0013364, MONDO:0009131, OMIM 223900. Disease mechanism: loss of function.

Allele frequency attached by ClinVar (database versions not stated): gnomAD exomes below 0.00001.
gnomAD v4.1: 2 of 1,614,132 alleles (0.00012%); highest among the groups gnomAD compares: East Asian, 0.0045%; no homozygotes.

Submissions (2):

Labcorp Genetics (formerly Invitae), Labcorp
Classification: Uncertain significance. Last evaluated: 2021-08-28. Review status: criteria provided, single submitter. Criteria: Invitae Variant Classification Sherloc (09022015). Collection method: clinical testing. Allele origin: germline.
Comment: This sequence change replaces glycine with valine at codon 40 of the ELP1 protein (p.Gly40Val). The glycine residue is moderately conserved and there is a moderate physicochemical difference between glycine and valine. This variant is not present in population databases (ExAC no frequency). This variant has not been reported in the literature in individuals affected with ELP1-related conditions. Algorithms developed to predict the effect of missense changes on protein structure and function are either unavailable or do not agree on the potential impact of this missense change (SIFT: "Tolerated"; PolyPhen-2: "Probably Damaging"; Align-GVGD: "Class C0"). In summary, the available evidence is currently insufficient to determine the role of this variant in disease. Therefore, it has been classified as a Variant of Uncertain Significance.

Natera, Inc.
Classification: Uncertain significance for Familial dysautonomia. Last evaluated: 2020-09-16. Review status: no assertion criteria provided. Collection method: clinical testing. Allele origin: germline. Not counted in ClinVar's aggregate classification.